The following is an entry in ClinVar:

ClinVar aggregate classification (germline): Pathogenic/Likely pathogenic. Review status: criteria provided, multiple submitters, no conflicts (2 of 4 stars). 2 submissions from 2 submitters: Pathogenic (1); Likely pathogenic (1). Last evaluated 2026-01-22.

Conditions:
Classic homocystinuria. Also called: Homocystinuria due to Cystathionine Beta-Synthase Deficiency; HOMOCYSTINURIA WITH OR WITHOUT RESPONSE TO PYRIDOXINE; Homocystinuria due to CBS deficiency; Cystathionine beta-synthase deficiency; CBS deficiency. Identifiers: Orphanet 394, MedGen C0751202, MONDO:0009352, OMIM 236200.

Submissions (2):

Natera, Inc.
Classification: Pathogenic for Homocystinuria due to cystathionine beta-synthase deficiency. Last evaluated: 2026-01-22. Review status: criteria provided, single submitter. Criteria: Natera Variant Classification Schema (03/2026). Collection method: clinical testing. Allele origin: germline.
Comment: The c.210-2A>G variant in CBS is a canonical splice acceptor site variant predicted to affect pre-mRNA splicing, which may result in an abnormal transcript and altered protein product. This variant is expected to result in nonsense mediated decay, truncation, or a dysfunctional protein product. This variant is rare in the general population with a frequency below the threshold expected for the associated phenotype(s). Another variant at this same site results in an alteration predicted to cause a similar molecular effect has been observed in individual(s) with the associated phenotype. Given the available evidence, this variant is classified as Pathogenic.

Juno Genomics, Hangzhou Juno Genomics, Inc
Classification: Likely pathogenic for Classic homocystinuria. Review status: criteria provided, single submitter. Criteria: ACMG Guidelines, 2015. Collection method: clinical testing. Allele origin: germline.
Comment: Null variant in a gene where loss of function (LOF) is a known mechanism of disease.;Absent from controls (or at extremely low frequency if recessive) in Genome Aggregation Database.

NM_000071.3(CBS):c.210-2A>G

Gene: CBS (cystathionine beta-synthase; minus strand). Cytogenetic location: 21q22.3.
Variant type: single nucleotide variant.
Coding change: c.210-2A>G on transcript NM_000071.3 (MANE Select); the canonical splice acceptor site of the intron before coding-DNA position 210, A replaced by G.
Molecular consequence: splice acceptor variant.
Genome position (GRCh38, 1-based): chr21:43,068,617, T>C on the plus strand (A>G on the coding strand, the complement: CBS is on the minus strand). VCF-style: chr21-43068617-T-C. GRCh37 (hg19) VCF-style: chr21-44488727-T-C.
Other names: c.210-2A>G (NM_001320298.2, NM_001178009.3, NM_001178008.3 and 1 more transcripts).
Identifiers: ClinVar variation 4816541 (VCV004816541.3).